The following is an entry in ClinVar:

ClinVar aggregate classification (germline): Uncertain significance (1 of 4 stars; one submission).

gnomAD v4.1: 1 of 1,528,076 alleles (0.000065%); highest among the groups gnomAD compares: Non-Finnish European, 0.000087%; no homozygotes.

Submission:

GeneDx
Classification: Uncertain significance. Last evaluated: 2026-02-02. Review status: criteria provided, single submitter. Criteria: GeneDx Variant Classification Process June 2021. Collection method: clinical testing. Allele origin: germline.
Comment: Not observed at significant frequency in large population cohorts (gnomAD); In silico analysis suggests that this missense variant does not alter protein structure/function; Has not been previously published as pathogenic or benign to our knowledge

NM_001374828.1(ARID1B):c.254C>T (p.Ala85Val)

Genes: ARID1B (AT-rich interaction domain 1B; plus strand), LOC115308161 (uncharacterized LOC115308161; minus strand), LOC129997523 (ATAC-STARR-seq lymphoblastoid silent region 17710; plus strand). Cytogenetic location: 6q25.3.
Variant type: single nucleotide variant.
Coding change: c.254C>T on transcript NM_001374828.1 (MANE Select); coding-DNA position 254, C replaced by T.
Protein change: p.Ala85Val; replaces alanine 85 with valine.
Molecular consequence: missense variant.
Genome position (GRCh38, 1-based): chr6:156,777,934, C>T. VCF-style: chr6-156777934-C-T. GRCh37 (hg19) VCF-style: chr6-157099068-C-T.
Other names: c.254C>T, p.Ala85Val (NM_001371656.1, NM_001374820.1, NM_001438482.1 and 9 more transcripts); short protein forms A85V.
Identifiers: ClinVar variation 4976029 (VCV004976029.1).
Genomic context (GRCh38, chr6:156,777,934, plus strand): 5'-GCGGCGGCCTGAACAGTGTGCACCACCACCCCCTGCTCCCCCGTCACGAACTCAACATGG[C>T]CCATAACGCGGGCGCCGCGGCCGCCGCCGGCACCCACAGCGCCAAGAGCGGCGGCTCCGA-3'
Protein context (NP_001361757.1, residues 75-95): PLLPRHELNM[Ala85Val]HNAGAAAAAG